The following is an entry in ClinVar:

NM_152464.3(VMA12):c.206_209del (p.Glu69fs)

Genes: VMA12 (vacuolar ATPase assembly factor VMA12; plus strand), LOC130060544 (ATAC-STARR-seq lymphoblastoid active region 11924; plus strand). Cytogenetic location: 17q11.2.
Variant type: Deletion.
Coding change: c.206_209del on transcript NM_152464.3 (MANE Select); coding-DNA positions 206 to 209, 4 bases deleted (AAAG; older notation c.206_209delAAAG).
Protein change: p.Glu69fs; shifts the reading frame from glutamic acid 69.
Molecular consequence: frameshift variant.
Genome position (GRCh38, 1-based): chr17:28,357,876-28,357,879, AAAG deleted; deleting any 4 consecutive bases within chr17:28,357,874-28,357,879 gives the same sequence; the c. name uses the placement nearest the transcript's 3' end. VCF-style (leftmost placement, unchanged base first): chr17-28357873-GAGAA-G. GRCh37 (hg19) VCF-style: chr17-26684896-GAGAA-G.
Other names: short protein forms E69fs.
Identifiers: ClinVar variation 4292339 (VCV004292339.1).

ClinVar aggregate classification (germline): Pathogenic (1 of 4 stars; one submission).

Conditions:
TMEM199-CDG. Also called: CONGENITAL DISORDER OF GLYCOSYLATION, TYPE IIp; CDG IIp. Identifiers: Orphanet 466703, MedGen C4225190, MONDO:0014790, OMIM 616829.

Submission:

3billion
Classification: Pathogenic for TMEM199-CDG. Last evaluated: 2025-03-18. Review status: criteria provided, single submitter. Criteria: ACMG Guidelines, 2015. Collection method: clinical testing. Allele origin: germline. Affected: yes.
Comment: The variant is not observed in the gnomAD v4.1.0 dataset. Predicted Consequence/Location: Frameshift: predicted to result in a loss or disruption of normal protein function through nonsense-mediated decay (NMD) or protein truncation. Multiple pathogenic variants are reported downstream of the variant. The variant was homozygous. Therefore, this variant is classified as Pathogenic according to the recommendation of ACMG/AMP guideline.